The following is an entry in ClinVar:

NM_000179.3(MSH6):c.3843_3847dup (p.Ile1283fs)

Gene: MSH6 (mutS homolog 6; plus strand). Cytogenetic location: 2p16.3.
Variant type: Duplication.
Coding change: c.3843_3847dup on transcript NM_000179.3 (MANE Select); coding-DNA positions 3843 to 3847, 5 bases duplicated (GACTA; older notation c.3843_3847dupGACTA).
Protein change: p.Ile1283fs; shifts the reading frame from isoleucine 1283.
Molecular consequence: frameshift variant.
Genome position (GRCh38, 1-based): chr2:47,806,493-47,806,497, GACTA duplicated; duplicating any 5 consecutive bases within chr2:47,806,492-47,806,497 gives the same sequence; the c. name uses the placement nearest the transcript's 3' end. VCF-style (leftmost placement, unchanged base first): chr2-47806491-G-GAGACT. GRCh37 (hg19) VCF-style: chr2-48033630-G-GAGACT.
Other names: c.3453_3457dup, p.Ile1153fs (NM_001281492.2); c.2937_2941dup, p.Ile981fs (NM_001281493.2, NM_001281494.2); c.3939_3943dup, p.Ile1315Argfs (NM_001406795.1); c.3843_3847dup, p.Ile1283Argfs (NM_001406796.1, NM_001406808.1, NM_001406809.1); c.3546_3550dup, p.Ile1184Argfs (NM_001406797.1, NM_001406801.1, NM_001406805.1 and 10 more transcripts); c.3669_3673dup, p.Ile1225Argfs (NM_001406798.1); c.3318_3322dup, p.Ile1108Argfs (NM_001406799.1, NM_001406806.1, NM_001406807.1); c.3830_3834dup, p.Leu1279Aspfs (NM_001406800.1); and 9 more; short protein forms I1283fs, I981fs, I1153fs.
Identifiers: ClinVar variation 2119724 (VCV002119724.5), dbSNP rs2530859021, ClinGen allele CA2580067392.

ClinVar aggregate classification (germline): Pathogenic. Review status: criteria provided, multiple submitters, no conflicts (2 of 4 stars). 2 submissions from 2 submitters: Pathogenic (2). Last evaluated 2023-08-25.

Conditions:
Lynch syndrome 5 (LYNCH5). Also called: Colorectal cancer, hereditary nonpolyposis, type 5; Hereditary non-polyposis colorectal cancer, type 5. Identifiers: Orphanet 144, MedGen C1833477, MONDO:0013710, OMIM 614350. Disease mechanism: loss of function.
Hereditary nonpolyposis colorectal neoplasms. Identifiers: MedGen C0009405, MeSH D003123.

Submissions (2):

Myriad Genetics, Inc.
Classification: Pathogenic for Lynch syndrome 5. Last evaluated: 2023-08-25. Review status: criteria provided, single submitter. Criteria: Myriad Autosomal Dominant, Autosomal Recessive and X-Linked Classification Criteria (2023). Collection method: clinical testing. Allele origin: unknown.
Comment: This variant is considered pathogenic. This variant creates a frameshift predicted to result in premature protein truncation.

Labcorp Genetics (formerly Invitae), Labcorp
Classification: Pathogenic for Hereditary nonpolyposis colorectal neoplasms. Last evaluated: 2022-10-27. Review status: criteria provided, single submitter. Criteria: Invitae Variant Classification Sherloc (09022015). Collection method: clinical testing. Allele origin: germline.
Comment: For these reasons, this variant has been classified as Pathogenic. This variant disrupts a region of the MSH6 protein in which other variant(s) (p.Arg1331*) have been determined to be pathogenic (PMID: 16034045, 16418736, 18301448, 19851887, 20587412, 21056691, 21155762, 21642682, 27601186). This suggests that this is a clinically significant region of the protein, and that variants that disrupt it are likely to be disease-causing. This variant has not been reported in the literature in individuals affected with MSH6-related conditions. This variant is not present in population databases (gnomAD no frequency). This sequence change creates a premature translational stop signal (p.Ile1283Argfs*46) in the MSH6 gene. While this is not anticipated to result in nonsense mediated decay, it is expected to disrupt the last 78 amino acid(s) of the MSH6 protein.

Literature cited by the submitters: PubMed 16034045 (cited by Labcorp Genetics (formerly Invitae), Labcorp); PubMed 16418736 (cited by Labcorp Genetics (formerly Invitae), Labcorp); PubMed 18301448 (cited by Labcorp Genetics (formerly Invitae), Labcorp); PubMed 19851887 (cited by Labcorp Genetics (formerly Invitae), Labcorp); PubMed 20587412 (cited by Labcorp Genetics (formerly Invitae), Labcorp); PubMed 21056691 (cited by Labcorp Genetics (formerly Invitae), Labcorp); PubMed 21155762 (cited by Labcorp Genetics (formerly Invitae), Labcorp); PubMed 21642682 (cited by Labcorp Genetics (formerly Invitae), Labcorp); PubMed 27601186 (cited by Labcorp Genetics (formerly Invitae), Labcorp).